The following is an entry in ClinVar:

ClinVar aggregate classification (germline): Uncertain significance (1 of 4 stars; one submission).

Conditions:
Developmental and epileptic encephalopathy, 12 (DEE12). Identifiers: MedGen C3150988, MONDO:0013389, OMIM 613722.

Submission:

Labcorp Genetics (formerly Invitae), Labcorp
Classification: Uncertain significance for Developmental and epileptic encephalopathy, 12. Last evaluated: 2022-03-11. Review status: criteria provided, single submitter. Criteria: Invitae Variant Classification Sherloc (09022015). Collection method: clinical testing. Allele origin: germline.
Comment: In summary, the available evidence is currently insufficient to determine the role of this variant in disease. Therefore, it has been classified as a Variant of Uncertain Significance. Variants that disrupt the consensus splice site are a relatively common cause of aberrant splicing (PMID: 17576681, 9536098). Algorithms developed to predict the effect of sequence changes on RNA splicing suggest that this variant may disrupt the consensus splice site. Algorithms developed to predict the effect of missense changes on protein structure and function (SIFT, PolyPhen-2, Align-GVGD) all suggest that this variant is likely to be disruptive. ClinVar contains an entry for this variant (Variation ID: 1062350). This variant has not been reported in the literature in individuals affected with PNKP-related conditions. This variant is not present in population databases (gnomAD no frequency). This sequence change replaces lysine, which is basic and polar, with asparagine, which is neutral and polar, at codon 166 of the PNKP protein (p.Lys166Asn). This variant also falls at the last nucleotide of exon 4, which is part of the consensus splice site for this exon.

Literature cited by the submitters: PubMed 17576681; PubMed 9536098.

NM_007254.4(PNKP):c.498G>T (p.Lys166Asn)

Gene: PNKP (polynucleotide kinase 3'-phosphatase; minus strand). Cytogenetic location: 19q13.33.
Variant type: single nucleotide variant.
Coding change: c.498G>T on transcript NM_007254.4 (MANE Select); coding-DNA position 498, G replaced by T.
Protein change: p.Lys166Asn; replaces lysine 166 with asparagine.
Molecular consequence: missense variant.
Genome position (GRCh38, 1-based): chr19:49,865,127, C>A on the plus strand (G>T on the coding strand, the complement: PNKP is on the minus strand). VCF-style: chr19-49865127-C-A. GRCh37 (hg19) VCF-style: chr19-50368384-C-A.
Other names: short protein forms K166N.
Identifiers: ClinVar variation 1062350 (VCV001062350.9), dbSNP rs141251138, ClinGen allele CA406888065.